The following is an entry in ClinVar:

NM_014225.6(PPP2R1A):c.230C>G (p.Thr77Ser)

Gene: PPP2R1A (protein phosphatase 2 scaffold subunit Aalpha; plus strand). Cytogenetic location: 19q13.41.
Variant type: single nucleotide variant.
Coding change: c.230C>G on transcript NM_014225.6 (MANE Select); coding-DNA position 230, C replaced by G.
Protein change: p.Thr77Ser; replaces threonine 77 with serine.
Molecular consequence: missense variant. On other transcripts: 5 prime UTR variant (1).
Genome position (GRCh38, 1-based): chr19:52,206,023, C>G. VCF-style: chr19-52206023-C-G. GRCh37 (hg19) VCF-style: chr19-52709276-C-G.
Other names: c.-308C>G (NM_001363656.2); short protein forms T77S.
Identifiers: ClinVar variation 1878802 (VCV001878802.2), dbSNP rs763692367, ClinGen allele CA407181096.
Genomic context (GRCh38, chr19:52,206,023, plus strand): 5'-ATACCATCTATGATGAAGATGAGGTCCTCCTGGCCCTGGCAGAACAGCTGGGAACCTTCA[C>G]TACCCTGGTGGGAGGCCCAGAGTACGTGCACTGCCTGCTGGTGAGTGGAAGGCAGGAAGT-3'
Protein context (NP_055040.2, residues 67-87): LALAEQLGTF[Thr77Ser]TLVGGPEYVH

ClinVar aggregate classification (germline): Uncertain significance (1 of 4 stars; one submission).

Submission:

GeneDx
Classification: Uncertain significance. Last evaluated: 2026-10-15. Review status: criteria provided, single submitter. Criteria: GeneDx Variant Classification Process June 2021. Collection method: clinical testing. Allele origin: germline.
Comment: Not observed at significant frequency in large population cohorts (gnomAD); In silico analysis supports that this missense variant has a deleterious effect on protein structure/function; Has not been previously published as pathogenic or benign to our knowledge